The following is an entry in ClinVar:

NM_001370595.2(COA8):c.322-7_322-4del

Gene: COA8 (cytochrome c oxidase assembly factor 8; plus strand). Cytogenetic location: 14q32.33.
Variant type: Deletion.
Coding change: c.322-7_322-4del on transcript NM_001370595.2 (MANE Select); 7 bases into the intron before coding-DNA position 322 through 4 bases into the intron before coding-DNA position 322, 4 bases deleted (TTTT; older notation c.322-7_322-4delTTTT).
Molecular consequence: intron variant.
Genome position (GRCh38, 1-based): chr14:103,574,100-103,574,103, TTTT deleted; deleting any 4 consecutive bases within chr14:103,574,079-103,574,103 gives the same sequence; the c. name uses the placement nearest the transcript's 3' end. VCF-style (leftmost placement, unchanged base first): chr14-103574078-CTTTT-C. GRCh37 (hg19) VCF-style: chr14-104040415-CTTTT-C.
Other names: c.361-7_361-4delTTTT (NM_032374.4); c.322-7_322-4del (NM_001302653.2, NM_001302654.2).
Identifiers: ClinVar variation 3043081 (VCV003043081.2), dbSNP rs11337243, ClinGen allele CA703294429.
Genomic context (GRCh38, chr14:103,574,078, plus strand): 5'-ACCGTGAGCTGTGCTCTAGCCAAAGAAAAATGGAAAGACAGAGAAAGGAGTTCTGAGAGC[CTTTT>C]TTTTTTTTTTTTTTTTTTTTTAAGGAAAAAGAAGAATTTATTCACTCAAGACTAAAAACT-3'

ClinVar aggregate classification (germline): Likely benign (0 of 4 stars; one submission).

Conditions:
COA8-related disorder. Also called: COA8-related condition.

Submission:

PreventionGenetics, part of Exact Sciences
Classification: Likely benign for COA8-related condition. Last evaluated: 2020-04-20. Review status: no assertion criteria provided. Collection method: clinical testing. Allele origin: germline.
Comment: This variant is classified as likely benign based on ACMG/AMP sequence variant interpretation guidelines (Richards et al. 2015 PMID: 25741868, with internal and published modifications).